The following is an entry in ClinVar:

NM_031924.8(RSPH3):c.-9C>T

Gene: RSPH3 (radial spoke head 3; minus strand). Cytogenetic location: 6q25.3.
Variant type: single nucleotide variant.
Coding change: c.-9C>T on transcript NM_031924.8 (MANE Select); 9 bases upstream of the start codon, C replaced by T.
Molecular consequence: 5 prime UTR variant. On other transcripts: missense variant (1), non-coding transcript variant (1).
Genome position (GRCh38, 1-based): chr6:158,999,559, G>A on the plus strand (C>T on the coding strand, the complement: RSPH3 is on the minus strand). VCF-style: chr6-158999559-G-A. GRCh37 (hg19) VCF-style: chr6-159420591-G-A.
Other names: c.418C>T, p.Pro140Ser (NM_001346418.1); short protein forms P140S.
Identifiers: ClinVar variation 542465 (VCV000542465.10), dbSNP rs1258329279, ClinGen allele CA366285195.
Genomic context (GRCh38, chr6:158,999,559, plus strand): 5'-AGGTGTAGGTGCTCGGGGCCCGAGAGGTGCGATCAGTCAGCGCTGAGGCCATGTCCGGGG[G>A]CTGACTGCCTCGCTTTCGGTGGAGCTTGGCTTTGAAGCAGGTGGGCGCTAAGGTGTTGTG-3'

ClinVar aggregate classification (germline): Uncertain significance. Review status: criteria provided, multiple submitters, no conflicts (2 of 4 stars). 2 submissions from 2 submitters: Uncertain significance (2). Last evaluated 2024-06-09.

Conditions:
Primary ciliary dyskinesia 32. Also called: CILIARY DYSKINESIA, PRIMARY, 32, WITHOUT SITUS INVERSUS. Identifiers: Orphanet 244, MedGen C4225311, MONDO:0014657, OMIM 616481.
Inborn genetic diseases. Identifiers: MedGen C0950123, MeSH D030342.

Allele frequency attached by ClinVar (database versions not stated): gnomAD exomes 0.00001; gnomAD 0.00002; TOPMed 0.00003.
gnomAD v4.1: 18 of 1,606,450 alleles (0.0011%); highest among the groups gnomAD compares: Middle Eastern, 0.017%; no homozygotes.

Submissions (2):

Labcorp Genetics (formerly Invitae), Labcorp
Classification: Uncertain significance for Primary ciliary dyskinesia 32. Last evaluated: 2024-06-09. Review status: criteria provided, single submitter. Criteria: Invitae Variant Classification Sherloc (09022015). Collection method: clinical testing. Allele origin: germline.
Comment: This sequence change replaces proline, which is neutral and non-polar, with serine, which is neutral and polar, at codon 140 of the RSPH3 protein (p.Pro140Ser). This variant is present in population databases (no rsID available, gnomAD 0.002%). This variant has not been reported in the literature in individuals affected with RSPH3-related conditions. ClinVar contains an entry for this variant (Variation ID: 542465). Algorithms developed to predict the effect of missense changes on protein structure and function output the following: SIFT: "Not Available"; PolyPhen-2: "Benign"; Align-GVGD: "Not Available". The serine amino acid residue is found in multiple mammalian species, which suggests that this missense change does not adversely affect protein function. In summary, the available evidence is currently insufficient to determine the role of this variant in disease. Therefore, it has been classified as a Variant of Uncertain Significance.

Ambry Genetics
Classification: Uncertain significance for Inborn genetic diseases. Last evaluated: 2023-02-15. Review status: criteria provided, single submitter. Criteria: Ambry Variant Classification Scheme 2023. Collection method: clinical testing. Allele origin: germline.